The following is an entry in ClinVar:

ClinVar aggregate classification (germline): Uncertain significance (1 of 4 stars; one submission).

Submission:

Labcorp Genetics (formerly Invitae), Labcorp
Classification: Uncertain significance. Last evaluated: 2021-07-16. Review status: criteria provided, single submitter. Criteria: Invitae Variant Classification Sherloc (09022015). Collection method: clinical testing. Allele origin: germline.
Comment: In summary, the available evidence is currently insufficient to determine the role of this variant in disease. Therefore, it has been classified as a Variant of Uncertain Significance. Algorithms developed to predict the effect of missense changes on protein structure and function are either unavailable or do not agree on the potential impact of this missense change (SIFT: "Deleterious"; PolyPhen-2: "Not Available"; Align-GVGD: "Class C0"). This variant has not been reported in the literature in individuals affected with CYFIP2-related conditions. This variant is not present in population databases (ExAC no frequency). This sequence change replaces leucine with valine at codon 617 of the CYFIP2 protein (p.Leu617Val). The leucine residue is highly conserved and there is a small physicochemical difference between leucine and valine.

NM_001037333.3(CYFIP2):c.1849C>G (p.Leu617Val)

Gene: CYFIP2 (cytoplasmic FMR1 interacting protein 2; plus strand). Cytogenetic location: 5q33.3.
Variant type: single nucleotide variant.
Coding change: c.1849C>G on transcript NM_001037333.3 (MANE Select); coding-DNA position 1849, C replaced by G.
Protein change: p.Leu617Val; replaces leucine 617 with valine.
Molecular consequence: missense variant.
Genome position (GRCh38, 1-based): chr5:157,325,505, C>G. VCF-style: chr5-157325505-C-G. GRCh37 (hg19) VCF-style: chr5-156752513-C-G.
Other names: c.1771C>G, p.Leu591Val (NM_001291721.2); c.1924C>G, p.Leu642Val (NM_001291722.2); c.1849C>G, p.Leu617Val (NM_014376.4); short protein forms L591V, L617V, L642V.
Identifiers: ClinVar variation 1367886 (VCV001367886.8), dbSNP rs1463225001, ClinGen allele CA361970094.
Genomic context (GRCh38, chr5:157,325,505, plus strand): 5'-TAAAAGTAACCAAAGGCTCGTTCCCTTATGCTTTCAGAAGCCCTGCAGCAGTGTTGTGAC[C>G]TCTCCCAGCTCTGGTTCCGAGAATTCTTCCTGGAGTTAACCATGGGCCGACGAATCCAGT-3'
Protein context (NP_001032410.1, residues 607-627): ISEALQQCCD[Leu617Val]SQLWFREFFL